The following is an entry in ClinVar:

NM_001042492.3(NF1):c.3232_3243del (p.Ser1078_Ala1081del)

Gene: NF1 (neurofibromin 1; plus strand). Cytogenetic location: 17q11.2.
Variant type: Deletion.
Coding change: c.3232_3243del on transcript NM_001042492.3 (MANE Select); coding-DNA positions 3232 to 3243, 12 bases deleted (TCACTTCTAGCT).
Protein change: p.Ser1078_Ala1081del.
Molecular consequence: inframe deletion.
Genome position (GRCh38, 1-based): chr17:31,232,107-31,232,118, TCACTTCTAGCT deleted; deleting any 12 consecutive bases within chr17:31,232,106-31,232,118 gives the same sequence; the c. name uses the placement nearest the transcript's 3' end. VCF-style (leftmost placement, unchanged base first): chr17-31232105-TTTCACTTCTAGC-T. GRCh37 (hg19) VCF-style: chr17-29559123-TTTCACTTCTAGC-T.
Other names: c.3232_3243del, p.Ser1078_Ala1081del (NM_000267.4).
Identifiers: ClinVar variation 4293763 (VCV004293763.1).

ClinVar aggregate classification (germline): Uncertain significance (1 of 4 stars; one submission).

Conditions:
Neurofibromatosis, type 1 (NF1). Also called: VON RECKLINGHAUSEN DISEASE; Neurofibromatosis, type I; NEUROFIBROMATOSIS, TYPE I, SOMATIC; Peripheral type neurofibromatosis. Identifiers: Orphanet 636, MedGen C0027831, MONDO:0018975, OMIM 162200. Disease mechanism: loss of function.

Submission:

3billion
Classification: Uncertain significance for Neurofibromatosis, type 1. Last evaluated: 2024-11-20. Review status: criteria provided, single submitter. Criteria: ACMG Guidelines, 2015. Collection method: clinical testing. Allele origin: germline. Affected: yes.
Comment: The variant is not observed in the gnomAD v4.1.0 dataset. Predicted Consequence/Location: Inframe deletion located in a nonrepeat region: predicted to change the length of the protein and disrupt normal protein function. Therefore, this variant is classified as VUS according to the recommendation of ACMG/AMP guideline.